The following is an entry in ClinVar:

ClinVar aggregate classification (germline): Uncertain significance (1 of 4 stars; one submission).

Conditions:
KBG syndrome (KBGS). Also called: ANKRD11-Related KBG Syndrome. Identifiers: Orphanet 2332, MedGen C0220687, MONDO:0007846, OMIM 148050.

Submission:

Labcorp Genetics (formerly Invitae), Labcorp
Classification: Uncertain significance for KBG syndrome. Last evaluated: 2022-02-01. Review status: criteria provided, single submitter. Criteria: Invitae Variant Classification Sherloc (09022015). Collection method: clinical testing. Allele origin: germline.
Comment: This sequence change replaces valine, which is neutral and non-polar, with methionine, which is neutral and non-polar, at codon 2410 of the ANKRD11 protein (p.Val2410Met). In summary, the available evidence is currently insufficient to determine the role of this variant in disease. Therefore, it has been classified as a Variant of Uncertain Significance. Advanced modeling of protein sequence and biophysical properties (such as structural, functional, and spatial information, amino acid conservation, physicochemical variation, residue mobility, and thermodynamic stability) performed at Invitae indicates that this missense variant is not expected to disrupt ANKRD11 protein function. This variant has not been reported in the literature in individuals affected with ANKRD11-related conditions. This variant is not present in population databases (gnomAD no frequency).

NM_013275.6(ANKRD11):c.7228G>A (p.Val2410Met)

Gene: ANKRD11 (ankyrin repeat domain 11; minus strand). Cytogenetic location: 16q24.3.
Variant type: single nucleotide variant.
Coding change: c.7228G>A on transcript NM_013275.6 (MANE Select); coding-DNA position 7228, G replaced by A.
Protein change: p.Val2410Met; replaces valine 2410 with methionine.
Molecular consequence: missense variant.
Genome position (GRCh38, 1-based): chr16:89,279,314, C>T on the plus strand (G>A on the coding strand, the complement: ANKRD11 is on the minus strand). VCF-style: chr16-89279314-C-T. GRCh37 (hg19) VCF-style: chr16-89345722-C-T.
Other names: c.7228G>A, p.Val2410Met (NM_001256182.2, NM_001256183.2); short protein forms V2410M.
Identifiers: ClinVar variation 2053858 (VCV002053858.4), dbSNP rs2544218857, ClinGen allele CA397148862.
Genomic context (GRCh38, chr16:89,279,314, plus strand): 5'-AGGGCTCGATGGCATCCAGCTTGATGGCGTCCACGATGGCGGCCAGCGTCTGCTGGATCA[C>T]CTCCCGCGTCTGCTGCGTGGACGTGTTCAGCTGCTGCTGCAGCTGCTGGGTGGAGCGCTG-3'
Protein context (NP_037407.4, residues 2400-2420): LNTSTQQTRE[Val2410Met]IQQTLAAIVD